The following is an entry in ClinVar:

NM_003073.5(SMARCB1):c.967C>A (p.Gln323Lys)

Gene: SMARCB1 (SWI/SNF related BAF chromatin remodeling complex subunit B1; plus strand). Cytogenetic location: 22q11.23.
Variant type: single nucleotide variant.
Coding change: c.967C>A on transcript NM_003073.5 (MANE Select); coding-DNA position 967, C replaced by A.
Protein change: p.Gln323Lys; replaces glutamine 323 with lysine.
Molecular consequence: missense variant.
Genome position (GRCh38, 1-based): chr22:23,825,396, C>A. VCF-style: chr22-23825396-C-A. GRCh37 (hg19) VCF-style: chr22-24167583-C-A.
Other names: c.967C>A (LRG_520t1); c.940C>A, p.Gln314Lys (NM_001007468.3); c.994C>A, p.Gln332Lys (NM_001317946.2); c.1021C>A, p.Gln341Lys (NM_001362877.2); short protein forms Q323K, Q341K, Q314K, Q332K.
Identifiers: ClinVar variation 486504 (VCV000486504.13), dbSNP rs1265308124, ClinGen allele CA410908046.
Genomic context (GRCh38, chr22:23,825,396, plus strand): 5'-TTGGGCGGGGAGTTTGTCACCACCATCGCATACAGCATCCGGGGACAGCTGAGCTGGCAT[C>A]AGAAGACCTACGCCTTCAGGTAGGATCATGCATGAGTCTCTCCCTCCCTCATCTCCCTGC-3'
Protein context (NP_003064.2, residues 313-333): YSIRGQLSWH[Gln323Lys]KTYAFSENPL

ClinVar aggregate classification (germline): Uncertain significance. Review status: criteria provided, multiple submitters, no conflicts (2 of 4 stars). 3 submissions from 3 submitters: Uncertain significance (3). Last evaluated 2025-05-04.

Conditions:
Hereditary cancer-predisposing syndrome. Also called: Tumor predisposition; Hereditary Cancer Syndrome; Hereditary neoplastic syndrome; Neoplastic Syndromes, Hereditary. Identifiers: Orphanet 140162, MedGen C0027672, MeSH D009386, MONDO:0015356.
Rhabdoid tumor predisposition syndrome 1 (RTPS1). Also called: Familial Posterior Fossa Brain Tumor of Infancy. Identifiers: Orphanet 231108, Orphanet 69077, MedGen C1836327, MONDO:0012252, OMIM 609322.

Allele frequency attached by ClinVar (database versions not stated): TOPMed 0.00001.

Submissions (3):

Labcorp Genetics (formerly Invitae), Labcorp
Classification: Uncertain significance. Last evaluated: 2025-05-04. Review status: criteria provided, single submitter. Criteria: Invitae Variant Classification Sherloc (09022015). Collection method: clinical testing. Allele origin: germline.
Comment: This sequence change replaces glutamine, which is neutral and polar, with lysine, which is basic and polar, at codon 323 of the SMARCB1 protein (p.Gln323Lys). This variant is not present in population databases (gnomAD no frequency). This variant has not been reported in the literature in individuals affected with SMARCB1-related conditions. ClinVar contains an entry for this variant (Variation ID: 486504). Invitae Evidence Modeling of protein sequence and biophysical properties (such as structural, functional, and spatial information, amino acid conservation, physicochemical variation, residue mobility, and thermodynamic stability) indicates that this missense variant is not expected to disrupt SMARCB1 protein function with a negative predictive value of 80%. In summary, the available evidence is currently insufficient to determine the role of this variant in disease. Therefore, it has been classified as a Variant of Uncertain Significance.

Ambry Genetics
Classification: Uncertain significance for Hereditary cancer-predisposing syndrome. Last evaluated: 2024-08-12. Review status: criteria provided, single submitter. Criteria: Ambry Variant Classification Scheme 2023. Collection method: clinical testing. Allele origin: germline.
Comment: The p.Q323K variant (also known as c.967C>A), located in coding exon 7 of the SMARCB1 gene, results from a C to A substitution at nucleotide position 967. The glutamine at codon 323 is replaced by lysine, an amino acid with similar properties. This amino acid position is highly conserved in available vertebrate species. In addition, the in silico prediction for this alteration is inconclusive. Since supporting evidence is limited at this time, the clinical significance of this alteration remains unclear.

Baylor Genetics
Classification: Uncertain significance for Rhabdoid tumor predisposition syndrome 1. Last evaluated: 2024-02-06. Review status: criteria provided, single submitter. Criteria: ACMG Guidelines, 2015. Collection method: clinical testing. Allele origin: unknown.